The following is an entry in ClinVar:

NM_000368.5(TSC1):c.3074G>C (p.Ser1025Thr)

Gene: TSC1 (TSC complex subunit 1; minus strand). Cytogenetic location: 9q34.13.
Variant type: single nucleotide variant.
Coding change: c.3074G>C on transcript NM_000368.5 (MANE Select); coding-DNA position 3074, G replaced by C.
Protein change: p.Ser1025Thr; replaces serine 1025 with threonine.
Molecular consequence: missense variant. On other transcripts: non-coding transcript variant (5).
Genome position (GRCh38, 1-based): chr9:132,896,656, C>G on the plus strand (G>C on the coding strand, the complement: TSC1 is on the minus strand). VCF-style: chr9-132896656-C-G. GRCh37 (hg19) VCF-style: chr9-135772043-C-G.
Other names: c.3071G>C, p.Ser1024Thr (NM_001162426.2, NM_001406600.1, NM_001406597.1 and 2 more transcripts); c.2921G>C, p.Ser974Thr (NM_001162427.2, NM_001406610.1); c.3059G>C, p.Ser1020Thr (NM_001406601.1, NM_001406602.1); c.2711G>C, p.Ser904Thr (NM_001362177.2, NM_001406614.1, NM_001406615.1 and 4 more transcripts); c.3074G>C, p.Ser1025Thr (NM_001406592.1, NM_001406593.1, NM_001406594.1 and 2 more transcripts); c.2918G>C, p.Ser973Thr (NM_001406612.1, NM_001406611.1); c.2876G>C, p.Ser959Thr (NM_001406613.1); c.2708G>C, p.Ser903Thr (NM_001406620.1, NM_001406621.1, NM_001406622.1 and 1 more transcripts); and 8 more; short protein forms S1010T, S674T, S707T, S889T, S903T, S974T, S1024T, S890T.
Identifiers: ClinVar variation 2765887 (VCV002765887.3), dbSNP rs1845081620, ClinGen allele CA375367577.

ClinVar aggregate classification (germline): Uncertain significance (1 of 4 stars; one submission).

Conditions:
Tuberous sclerosis 1 (TSC1). Identifiers: Orphanet 805, MedGen C1854465, MONDO:0008612, OMIM 191100.

Submission:

Labcorp Genetics (formerly Invitae), Labcorp
Classification: Uncertain significance for Tuberous sclerosis 1. Last evaluated: 2023-10-05. Review status: criteria provided, single submitter. Criteria: Invitae Variant Classification Sherloc (09022015). Collection method: clinical testing. Allele origin: germline.
Comment: This sequence change replaces serine, which is neutral and polar, with threonine, which is neutral and polar, at codon 1025 of the TSC1 protein (p.Ser1025Thr). This variant is not present in population databases (gnomAD no frequency). This variant has not been reported in the literature in individuals affected with TSC1-related conditions. Advanced modeling of protein sequence and biophysical properties (such as structural, functional, and spatial information, amino acid conservation, physicochemical variation, residue mobility, and thermodynamic stability) performed at Invitae indicates that this missense variant is not expected to disrupt TSC1 protein function. In summary, the available evidence is currently insufficient to determine the role of this variant in disease. Therefore, it has been classified as a Variant of Uncertain Significance.